The following is an entry in ClinVar:

NM_001040108.2(MLH3):c.2277G>A (p.Arg759=)

Gene: MLH3 (mutL homolog 3; minus strand). Cytogenetic location: 14q24.3.
Variant type: single nucleotide variant.
Coding change: c.2277G>A on transcript NM_001040108.2 (MANE Select); coding-DNA position 2277, G replaced by A.
Protein change: p.Arg759=; no amino-acid change (arginine 759 retained).
Molecular consequence: synonymous variant.
Genome position (GRCh38, 1-based): chr14:75,047,379, C>T on the plus strand (G>A on the coding strand, the complement: MLH3 is on the minus strand). VCF-style: chr14-75047379-C-T. GRCh37 (hg19) VCF-style: chr14-75514082-C-T.
Other names: c.2277G>A, p.Arg759= (NM_014381.3).
Identifiers: ClinVar variation 1788875 (VCV001788875.6), dbSNP rs1173267325, ClinGen allele CA487273131.
Genomic context (GRCh38, chr14:75,047,379, plus strand): 5'-AGTGACTCCATTACTTTCCTCTACTTCTGTATCCAGAGGATTTTCAACCTTCCCATATTG[C>T]CTCTTAAACTTCTCTAAAGATCCTAGCTGTGAACTCAAGCTTAGCTTCTTACGGACGATT-3'
Protein context (NP_001035197.1, residues 749-769): SQLGSLEKFK[Arg759=]QYGKVENPLD

ClinVar aggregate classification (germline): Benign/Likely benign. Review status: criteria provided, multiple submitters, no conflicts (2 of 4 stars). 3 submissions from 3 submitters: Benign (1); Likely benign (2). Last evaluated 2026-09-16.

Conditions:
Colorectal cancer, hereditary nonpolyposis, type 7. Identifiers: Orphanet 144, MedGen C1858380, MONDO:0013725, OMIM 614385.

Allele frequency attached by ClinVar (database versions not stated): gnomAD exomes below 0.00001; TOPMed below 0.00001.
gnomAD v4.1: 1 of 1,614,110 alleles (0.000062%); highest among the groups gnomAD compares: Non-Finnish European, 0.000085%; no homozygotes.

Submissions (3):

Myriad Genetics, Inc.
Classification: Benign for Colorectal cancer, hereditary nonpolyposis, type 7. Last evaluated: 2026-09-16. Review status: criteria provided, single submitter. Criteria: Myriad Autosomal Dominant, Autosomal Recessive and X-Linked Classification Criteria (2023). Collection method: clinical testing. Allele origin: unknown.
Comment: This variant is considered benign. This variant is a silent/synonymous amino acid change and it is not expected to impact splicing.

Labcorp Genetics (formerly Invitae), Labcorp
Classification: Likely benign for Colorectal cancer, hereditary nonpolyposis, type 7. Last evaluated: 2023-06-29. Review status: criteria provided, single submitter. Criteria: Invitae Variant Classification Sherloc (09022015). Collection method: clinical testing. Allele origin: germline.

Ambry Genetics
Classification: Likely benign. Last evaluated: 2019-07-14. Review status: criteria provided, single submitter. Criteria: Ambry Variant Classification Scheme 2023. Collection method: clinical testing. Allele origin: germline.